The following is an entry in ClinVar:

NM_025114.4(CEP290):c.943-8A>T

Gene: CEP290 (centrosomal protein 290; minus strand). Cytogenetic location: 12q21.32.
Variant type: single nucleotide variant.
Coding change: c.943-8A>T on transcript NM_025114.4 (MANE Select); 8 bases into the intron before coding-DNA position 943, A replaced by T.
Molecular consequence: intron variant.
Genome position (GRCh38, 1-based): chr12:88,126,446, T>A on the plus strand (A>T on the coding strand, the complement: CEP290 is on the minus strand). VCF-style: chr12-88126446-T-A. GRCh37 (hg19) VCF-style: chr12-88520223-T-A.
Identifiers: ClinVar variation 461789 (VCV000461789.59), dbSNP rs200729812, ClinGen allele CA6712652.
Genomic context (GRCh38, chr12:88,126,446, plus strand): 5'-TGTAACATTTGCTGATACTCAATAATTTCATCATCTTTAGAAGACAAAATTAGCTAGAAA[T>A]AAACACAATAGAATCTGTTATGCAAAAGGAAAGTTAATAAAACATTCTTCATTATCATAA-3'

ClinVar aggregate classification (germline): Conflicting classifications of pathogenicity. Review status: criteria provided, conflicting classifications (1 of 4 stars). 7 submissions from 7 submitters: Uncertain significance (1); Likely benign (5). 1 of the submissions does not count toward it. Last evaluated 2026-06-01.

Conditions:
Inborn genetic diseases. Identifiers: MedGen C0950123, MeSH D030342.
Nephronophthisis. Also called: Juvenile Nephronophthisis. Identifiers: Orphanet 655, MedGen C0687120, MONDO:0019005, HP:0000090.
Meckel-Gruber syndrome. Also called: Dysencephalia splachnocystica; DYSENCEPHALIA SPLANCHNOCYSTICA; GRUBER SYNDROME. Identifiers: Orphanet 564, MedGen C0265215, MONDO:0018921.
Joubert syndrome. Also called: JOUBERT-BOLTSHAUSER SYNDROME; Familial aplasia of the vermis. Identifiers: Orphanet 475, MedGen C5979921, MONDO:0018772.
Retinal dystrophy. Also called: Inherited retinal dystrophy. Identifiers: Orphanet 71862, MedGen C0854723, MeSH D058499, MONDO:0019118, HP:0000556.

Allele frequency attached by ClinVar (database versions not stated): 1000 Genomes Project 30x 0.00016; 1000 Genomes Project 0.00020; gnomAD exomes 0.00028; TOPMed 0.00030; gnomAD 0.00034 and 0.00037; ExAC 0.00037; ESP Exome Variant Server 0.00043.
gnomAD v4.1: 429 of 1,476,724 alleles (0.029%); highest among the groups gnomAD compares: Non-Finnish European, 0.034%; 1 homozygote.

Submissions (7):

CeGaT Center for Human Genetics Tuebingen
Classification: Likely benign. Last evaluated: 2026-06-01. Review status: criteria provided, single submitter. Criteria: CeGaT Center For Human Genetics Tuebingen Variant Classification Criteria Version 2. Collection method: clinical testing. Allele origin: germline. Affected: yes. Observed: 6 variant alleles.
Comment: CEP290: BP4

Ambry Genetics
Classification: Likely benign for Inborn genetic diseases. Last evaluated: 2026-05-08. Review status: criteria provided, single submitter. Criteria: Ambry Variant Classification Scheme 2023. Collection method: clinical testing. Allele origin: germline.

Labcorp Genetics (formerly Invitae), Labcorp
Classification: Likely benign for Joubert syndrome; Meckel-Gruber syndrome; Nephronophthisis. Last evaluated: 2026-01-14. Review status: criteria provided, single submitter. Criteria: Invitae Variant Classification Sherloc (09022015). Collection method: clinical testing. Allele origin: germline.

Blueprint Genetics
Classification: Likely benign. Last evaluated: 2024-11-27. Review status: criteria provided, single submitter. Criteria: ACMG Guidelines, 2015. Collection method: clinical testing. Allele origin: germline.

GeneDx
Classification: Likely benign. Last evaluated: 2021-04-05. Review status: criteria provided, single submitter. Criteria: GeneDx Variant Classification Process June 2021. Collection method: clinical testing. Allele origin: germline. Affected: yes.

Eurofins Ntd Llc (ga)
Classification: Uncertain significance. Last evaluated: 2017-02-06. Review status: criteria provided, single submitter. Criteria: EGL Classification Definitions 2015. Collection method: clinical testing. Allele origin: germline. Observed: 2 variant alleles, 2 heterozygotes.

Institute of Human Genetics, Univ. Regensburg, Univ. Regensburg
Classification: Uncertain significance for Retinal dystrophy. Last evaluated: 2023-01-01. Review status: no assertion criteria provided. Criteria: ACMG Guidelines, 2015. Collection method: clinical testing. Allele origin: germline. Affected: yes. Not counted in ClinVar's aggregate classification.